The following is an entry in ClinVar:

NM_001032283.3(TMPO):c.565+1595T>G

Gene: TMPO (thymopoietin; plus strand). Cytogenetic location: 12q23.1.
Variant type: single nucleotide variant.
Coding change: c.565+1595T>G on transcript NM_001032283.3 (MANE Select); 1595 bases into the intron after coding-DNA position 565, T replaced by G.
Molecular consequence: intron variant. On other transcripts: missense variant (1).
Genome position (GRCh38, 1-based): chr12:98,533,433, T>G. VCF-style: chr12-98533433-T-G. GRCh37 (hg19) VCF-style: chr12-98927211-T-G.
Other names: c.1176T>G, p.Ser392Arg (NM_003276.2); c.565+1595T>G (NM_001307975.2, NM_001032284.3); short protein forms S392R.
Identifiers: ClinVar variation 2417068 (VCV002417068.7), dbSNP rs2548503645, ClinGen allele CA386152636.

ClinVar aggregate classification (germline): Uncertain significance (1 of 4 stars; one submission).

Conditions:
Loeys-Dietz syndrome 2 (LDS2). Also called: Marfan Syndrome type 2; Marfan like connective tissue disorder; MFS 2; TGFBR2-Related Loeys-Dietz Syndrome; Marfan syndrome, type 2 (formerly); AORTIC ANEURYSM, FAMILIAL THORACIC 3. Identifiers: Orphanet 284973, Orphanet 558, MedGen C2674574, MONDO:0012427, OMIM 610168.

Submission:

Labcorp Genetics (formerly Invitae), Labcorp
Classification: Uncertain significance for Loeys-Dietz syndrome 2. Last evaluated: 2022-09-14. Review status: criteria provided, single submitter. Criteria: Invitae Variant Classification Sherloc (09022015). Collection method: clinical testing. Allele origin: germline.
Comment: Advanced modeling of protein sequence and biophysical properties (such as structural, functional, and spatial information, amino acid conservation, physicochemical variation, residue mobility, and thermodynamic stability) performed at Invitae indicates that this missense variant is not expected to disrupt TMPO protein function. In summary, the available evidence is currently insufficient to determine the role of this variant in disease. Therefore, it has been classified as a Variant of Uncertain Significance. This variant has not been reported in the literature in individuals affected with TMPO-related conditions. This variant is not present in population databases (gnomAD no frequency). This sequence change replaces serine, which is neutral and polar, with arginine, which is basic and polar, at codon 392 of the TMPO protein (p.Ser392Arg).